The following is an entry in ClinVar:

NM_002700.3(POU4F3):c.945G>C (p.Lys315Asn)

Genes: POU4F3 (POU class 4 homeobox 3; plus strand), RBM27-POU4F3 (RBM27-POU4F3 readthrough; plus strand). Cytogenetic location: 5q32.
Variant type: single nucleotide variant.
Coding change: c.945G>C on transcript NM_002700.3 (MANE Select); coding-DNA position 945, G replaced by C.
Protein change: p.Lys315Asn; replaces lysine 315 with asparagine.
Molecular consequence: missense variant. On other transcripts: 3 prime UTR variant (1).
Genome position (GRCh38, 1-based): chr5:146,340,372, G>C. VCF-style: chr5-146340372-G-C. GRCh37 (hg19) VCF-style: chr5-145719935-G-C.
Other names: c.*814G>C (NM_001414499.1); short protein forms K315N.
Identifiers: ClinVar variation 2118209 (VCV002118209.4), dbSNP rs561440636, ClinGen allele CA3491233.

ClinVar aggregate classification (germline): Uncertain significance (1 of 4 stars; one submission).

Allele frequency attached by ClinVar (database versions not stated): gnomAD exomes below 0.00001; ExAC 0.00001; gnomAD 0.00001; 1000 Genomes Project 30x 0.00016; 1000 Genomes Project 0.00020.

Submission:

Labcorp Genetics (formerly Invitae), Labcorp
Classification: Uncertain significance. Last evaluated: 2022-06-04. Review status: criteria provided, single submitter. Criteria: Invitae Variant Classification Sherloc (09022015). Collection method: clinical testing. Allele origin: germline.
Comment: This variant is present in population databases (rs561440636, gnomAD 0.03%). This variant has not been reported in the literature in individuals affected with POU4F3-related conditions. This sequence change replaces lysine, which is basic and polar, with asparagine, which is neutral and polar, at codon 315 of the POU4F3 protein (p.Lys315Asn). Algorithms developed to predict the effect of missense changes on protein structure and function (SIFT, PolyPhen-2, Align-GVGD) all suggest that this variant is likely to be disruptive. In summary, the available evidence is currently insufficient to determine the role of this variant in disease. Therefore, it has been classified as a Variant of Uncertain Significance.